The following is an entry in ClinVar:

ClinVar aggregate classification (germline): Likely benign. Review status: criteria provided, multiple submitters, no conflicts (2 of 4 stars). 3 submissions from 3 submitters: Likely benign (3). Last evaluated 2022-08-01.

Conditions:
Familial thoracic aortic aneurysm and aortic dissection (TAAD). Also called: Thoracic aortic aneurysms and dissections. Identifiers: Orphanet 91387, MedGen C4707243, MONDO:0019625.
Marfan syndrome (MFS). Also called: Marfan syndrome type 1; Marfan's syndrome; MARFAN SYNDROME, TYPE I; Marfan syndrome, classic; FBN1-Related Marfan Syndrome. Identifiers: Orphanet 284963, Orphanet 558, MedGen C0024796, MONDO:0007947, OMIM 154700.

Submissions (3):

CeGaT Center for Human Genetics Tuebingen
Classification: Likely benign. Last evaluated: 2022-08-01. Review status: criteria provided, single submitter. Criteria: CeGaT Center For Human Genetics Tuebingen Variant Classification Criteria Version 2. Collection method: clinical testing. Allele origin: germline. Affected: yes. Observed: 1 variant allele.
Comment: FBN1: PM2:Supporting, BP4, BP7

Color Diagnostics, LLC DBA Color Health
Classification: Likely benign for Familial thoracic aortic aneurysm and aortic dissection. Last evaluated: 2020-11-09. Review status: criteria provided, single submitter. Criteria: ACMG Guidelines, 2015. Collection method: clinical testing. Allele origin: germline.

Labcorp Genetics (formerly Invitae), Labcorp
Classification: Likely benign for Marfan syndrome; Familial thoracic aortic aneurysm and aortic dissection. Last evaluated: 2020-09-17. Review status: criteria provided, single submitter. Criteria: Invitae Variant Classification Sherloc (09022015). Collection method: clinical testing. Allele origin: germline.

NM_000138.5(FBN1):c.4155A>T (p.Gly1385=)

Gene: FBN1 (fibrillin 1; minus strand). Cytogenetic location: 15q21.1.
Variant type: single nucleotide variant.
Coding change: c.4155A>T on transcript NM_000138.5 (MANE Select); coding-DNA position 4155, A replaced by T.
Protein change: p.Gly1385=; no amino-acid change (glycine 1385 retained).
Molecular consequence: synonymous variant.
Genome position (GRCh38, 1-based): chr15:48,474,310, T>A on the plus strand (A>T on the coding strand, the complement: FBN1 is on the minus strand). VCF-style: chr15-48474310-T-A. GRCh37 (hg19) VCF-style: chr15-48766507-T-A.
Identifiers: ClinVar variation 1116066 (VCV001116066.34), dbSNP rs2141279769, ClinGen allele CA490014800.